The following is an entry in ClinVar:

NM_005912.3(MC4R):c.770G>C (p.Cys257Ser)

Gene: MC4R (melanocortin 4 receptor; minus strand). Cytogenetic location: 18q21.32.
Variant type: single nucleotide variant.
Coding change: c.770G>C on transcript NM_005912.3 (MANE Select); coding-DNA position 770, G replaced by C.
Protein change: p.Cys257Ser; replaces cysteine 257 with serine.
Molecular consequence: missense variant.
Genome position (GRCh38, 1-based): chr18:60,371,580, C>G on the plus strand (G>C on the coding strand, the complement: MC4R is on the minus strand). VCF-style: chr18-60371580-C-G. GRCh37 (hg19) VCF-style: chr18-58038813-C-G.
Other names: short protein forms C257S.
Identifiers: ClinVar variation 3354848 (VCV003354848.1).

ClinVar aggregate classification (germline): Uncertain significance (0 of 4 stars; one submission).

Conditions:
MC4R-related disorder. Also called: MC4R-related condition.

Submission:

PreventionGenetics, part of Exact Sciences
Classification: Uncertain significance for MC4R-related condition. Last evaluated: 2023-11-29. Review status: no assertion criteria provided. Collection method: clinical testing. Allele origin: germline.
Comment: The MC4R c.770G>C variant is predicted to result in the amino acid substitution p.Cys257Ser. To our knowledge, this variant has not been reported in the literature. This variant is reported in 0.012% of alleles in individuals of African descent in gnomAD. At this time, the clinical significance of this variant is uncertain due to the absence of conclusive functional and genetic evidence.